The following is an entry in ClinVar:

ClinVar aggregate classification (germline): Uncertain significance (1 of 4 stars; one submission).

gnomAD v4.1: 2 of 1,612,408 alleles (0.00012%); highest among the groups gnomAD compares: South Asian, 0.0022%; no homozygotes.

Submission:

Labcorp Genetics (formerly Invitae), Labcorp
Classification: Uncertain significance. Last evaluated: 2024-05-29. Review status: criteria provided, single submitter. Criteria: Invitae Variant Classification Sherloc (09022015). Collection method: clinical testing. Allele origin: germline.
Comment: This sequence change replaces glutamine, which is neutral and polar, with arginine, which is basic and polar, at codon 729 of the PDE6B protein (p.Gln729Arg). This variant is not present in population databases (gnomAD no frequency). This variant has not been reported in the literature in individuals affected with PDE6B-related conditions. Advanced modeling of protein sequence and biophysical properties (such as structural, functional, and spatial information, amino acid conservation, physicochemical variation, residue mobility, and thermodynamic stability) performed at Invitae indicates that this missense variant is expected to disrupt PDE6B protein function with a positive predictive value of 95%. In summary, the available evidence is currently insufficient to determine the role of this variant in disease. Therefore, it has been classified as a Variant of Uncertain Significance.

NM_000283.4(PDE6B):c.2186A>G (p.Gln729Arg)

Gene: PDE6B (phosphodiesterase 6B; plus strand). Cytogenetic location: 4p16.3.
Variant type: single nucleotide variant.
Coding change: c.2186A>G on transcript NM_000283.4 (MANE Select); coding-DNA position 2186, A replaced by G.
Protein change: p.Gln729Arg; replaces glutamine 729 with arginine.
Molecular consequence: missense variant.
Genome position (GRCh38, 1-based): chr4:664,937, A>G. VCF-style: chr4-664937-A-G. GRCh37 (hg19) VCF-style: chr4-658726-A-G.
Other names: c.2186A>G, p.Gln729Arg (NM_001145291.2); c.1349A>G, p.Gln450Arg (NM_001145292.2, NM_001350154.3, NM_001379246.1 and 1 more transcripts); c.1031A>G, p.Gln344Arg (NM_001350155.3); short protein forms Q450R, Q344R, Q729R.
Identifiers: ClinVar variation 3683939 (VCV003683939.2).